The following is an entry in ClinVar:

ClinVar aggregate classification (germline): Uncertain significance. Review status: criteria provided, multiple submitters, no conflicts (2 of 4 stars). 2 submissions from 2 submitters: Uncertain significance (2). Last evaluated 2025-10-12.

Conditions:
Arrhythmogenic right ventricular dysplasia 12. Also called: ARRHYTHMOGENIC RIGHT VENTRICULAR DYSPLASIA, FAMILIAL, 12. Identifiers: MedGen C1969081, MONDO:0012684, OMIM 611528.
Naxos disease (NXD). Also called: KERATOSIS PALMOPLANTARIS WITH ARRHYTHMOGENIC CARDIOMYOPATHY; MAL DE NAXOS; CARDIOMYOPATHY, ARRHYTHMOGENIC RIGHT VENTRICULAR, WITH SKIN, HAIR, AND NAIL ABNORMALITIES; PALMOPLANTAR KERATODERMA WITH ARRHYTHMOGENIC RIGHT VENTRICULAR CARDIOMYOPATHY AND WOOLLY HAIR; WOOLLY HAIR, PALMOPLANTAR KERATODERMA, AND CARDIAC ABNORMALITIES. Identifiers: Orphanet 34217, MedGen C1832600, MONDO:0011017, OMIM 601214.

Allele frequency attached by ClinVar (database versions not stated): gnomAD exomes below 0.00001; TOPMed below 0.00001; ExAC 0.00001; gnomAD 0.00001.
gnomAD v4.1: 4 of 1,603,598 alleles (0.00025%); highest among the groups gnomAD compares: Admixed American, 0.0051%; no homozygotes.

Submissions (2):

Labcorp Genetics (formerly Invitae), Labcorp
Classification: Uncertain significance for Arrhythmogenic right ventricular dysplasia 12; Naxos disease. Last evaluated: 2025-10-12. Review status: criteria provided, single submitter. Criteria: Invitae Variant Classification Sherloc (09022015). Collection method: clinical testing. Allele origin: germline.
Comment: This sequence change replaces alanine, which is neutral and non-polar, with valine, which is neutral and non-polar, at codon 544 of the JUP protein (p.Ala544Val). This variant is present in population databases (rs782762751, gnomAD 0.003%). This variant has not been reported in the literature in individuals affected with JUP-related conditions. ClinVar contains an entry for this variant (Variation ID: 1438992). An algorithm developed to predict the effect of missense changes on protein structure and function (PolyPhen-2) suggests that this variant is likely to be tolerated. In summary, the available evidence is currently insufficient to determine the role of this variant in disease. Therefore, it has been classified as a Variant of Uncertain Significance.

Mayo Clinic Laboratories, Mayo Clinic
Classification: Uncertain significance. Last evaluated: 2023-06-16. Review status: criteria provided, single submitter. Criteria: ACMG Guidelines, 2015. Collection method: clinical testing. Allele origin: germline. Observed: 1 variant allele.
Comment: BP4

NM_002230.4(JUP):c.1631C>T (p.Ala544Val)

Gene: JUP (junction plakoglobin; minus strand). Cytogenetic location: 17q21.2.
Variant type: single nucleotide variant.
Coding change: c.1631C>T on transcript NM_002230.4 (MANE Select); coding-DNA position 1631, C replaced by T.
Protein change: p.Ala544Val; replaces alanine 544 with valine.
Molecular consequence: missense variant.
Genome position (GRCh38, 1-based): chr17:41,758,737, G>A on the plus strand (C>T on the coding strand, the complement: JUP is on the minus strand). VCF-style: chr17-41758737-G-A. GRCh37 (hg19) VCF-style: chr17-39914989-G-A.
Other names: p.Ala544Val; c.1631C>T, p.Ala544Val (NM_001352773.2, NM_001352774.2, NM_001352775.2 and 3 more transcripts); short protein forms A544V.
Identifiers: ClinVar variation 1438992 (VCV001438992.7), dbSNP rs782762751, ClinGen allele CA8565177.